The following is an entry in ClinVar:

ClinVar aggregate classification (germline): Pathogenic. Review status: criteria provided, single submitter (1 of 4 stars). 2 submissions from 2 submitters: Pathogenic (1). 1 of the submissions does not count toward it. Last evaluated 2024-02-23.

Conditions:
Glycogen storage disease, type V (GSD5). Also called: MCARDLE DISEASE; MUSCLE GLYCOGEN PHOSPHORYLASE DEFICIENCY; MYOPHOSPHORYLASE DEFICIENCY; PYGM DEFICIENCY; McArdle type glycogen storage disease. Identifiers: Orphanet 368, MedGen C0017924, MONDO:0009293, OMIM 232600.

Submissions (2):

Labcorp Genetics (formerly Invitae), Labcorp
Classification: Pathogenic for Glycogen storage disease, type V. Last evaluated: 2024-02-23. Review status: criteria provided, single submitter. Criteria: Invitae Variant Classification Sherloc (09022015). Collection method: clinical testing. Allele origin: germline.
Comment: This sequence change creates a premature translational stop signal (p.Glu124*) in the PYGM gene. It is expected to result in an absent or disrupted protein product. Loss-of-function variants in PYGM are known to be pathogenic (PMID: 8316268, 16786513). This variant is not present in population databases (gnomAD no frequency). This premature translational stop signal has been observed in individual(s) with McArdle's disease (PMID: 11706962). ClinVar contains an entry for this variant (Variation ID: 552845). For these reasons, this variant has been classified as Pathogenic.

Counsyl
Classification: Likely pathogenic for Glycogen storage disease, type V. Last evaluated: 2017-07-11. Review status: no assertion criteria provided. Collection method: clinical testing. Allele origin: unknown. Not counted in ClinVar's aggregate classification.

Literature cited by the submitters: PubMed 8316268 (cited by Labcorp Genetics (formerly Invitae), Labcorp); PubMed 16786513 (cited by Labcorp Genetics (formerly Invitae), Labcorp); PubMed 11706962 (cited by Labcorp Genetics (formerly Invitae), Labcorp and Counsyl).

NM_005609.4(PYGM):c.370G>T (p.Glu124Ter)

Gene: PYGM (glycogen phosphorylase, muscle associated; minus strand). Cytogenetic location: 11q13.1.
Variant type: single nucleotide variant.
Coding change: c.370G>T on transcript NM_005609.4 (MANE Select); coding-DNA position 370, G replaced by T.
Protein change: p.Glu124Ter; replaces glutamic acid 124 with a stop codon.
Molecular consequence: nonsense. On other transcripts: intron variant (1).
Genome position (GRCh38, 1-based): chr11:64,758,491, C>A on the plus strand (G>T on the coding strand, the complement: PYGM is on the minus strand). VCF-style: chr11-64758491-C-A. GRCh37 (hg19) VCF-style: chr11-64525963-C-A.
Other names: c.244-225G>T (NM_001164716.1); short protein forms E124*.
Identifiers: ClinVar variation 552845 (VCV000552845.4), dbSNP rs1555136459, ClinGen allele CA381109873.